The following is an entry in ClinVar:

NM_003718.5(CDK13):c.2659G>A (p.Gly887Arg)

Gene: CDK13 (cyclin dependent kinase 13; plus strand). Cytogenetic location: 7p14.1.
Variant type: single nucleotide variant.
Coding change: c.2659G>A on transcript NM_003718.5 (MANE Select); coding-DNA position 2659, G replaced by A.
Protein change: p.Gly887Arg; replaces glycine 887 with arginine.
Molecular consequence: missense variant.
Genome position (GRCh38, 1-based): chr7:40,062,884, G>A. VCF-style: chr7-40062884-G-A. GRCh37 (hg19) VCF-style: chr7-40102483-G-A.
Other names: c.2659G>A, p.Gly887Arg (NM_031267.4); short protein forms G887R.
Identifiers: ClinVar variation 1998763 (VCV001998763.4), dbSNP rs2483987197, ClinGen allele CA367285652.

ClinVar aggregate classification (germline): Uncertain significance (1 of 4 stars; one submission).

Submission:

Labcorp Genetics (formerly Invitae), Labcorp
Classification: Uncertain significance. Last evaluated: 2022-05-27. Review status: criteria provided, single submitter. Criteria: Invitae Variant Classification Sherloc (09022015). Collection method: clinical testing. Allele origin: germline.
Comment: Advanced modeling of protein sequence and biophysical properties (such as structural, functional, and spatial information, amino acid conservation, physicochemical variation, residue mobility, and thermodynamic stability) performed at Invitae indicates that this missense variant is expected to disrupt CDK13 protein function. This variant has not been reported in the literature in individuals affected with CDK13-related conditions. This variant is not present in population databases (gnomAD no frequency). This sequence change replaces glycine, which is neutral and non-polar, with arginine, which is basic and polar, at codon 887 of the CDK13 protein (p.Gly887Arg). In summary, the available evidence is currently insufficient to determine the role of this variant in disease. Therefore, it has been classified as a Variant of Uncertain Significance.